The following is an entry in ClinVar:

ClinVar aggregate classification (germline): Uncertain significance. Review status: criteria provided, multiple submitters, no conflicts (2 of 4 stars). 2 submissions from 2 submitters: Uncertain significance (2). Last evaluated 2024-08-26.

Conditions:
Christianson syndrome (MRXSCH). Also called: SLC9A6-Related Syndromic Mental Retardation; X-linked mental retardation, syndromic, Christianson type; INTELLECTUAL DEVELOPMENTAL DISORDER, X-LINKED, SYNDROMIC, CHRISTIANSON TYPE. Identifiers: Orphanet 85278, MedGen C2678194, MONDO:0010278, OMIM 300243.

Allele frequency attached by ClinVar (database versions not stated): gnomAD exomes below 0.00001; TOPMed 0.00001.

Submissions (2):

GeneDx
Classification: Uncertain significance. Last evaluated: 2024-08-26. Review status: criteria provided, single submitter. Criteria: GeneDx Variant Classification Process June 2021. Collection method: clinical testing. Allele origin: germline. Affected: yes.
Comment: Not observed at significant frequency in large population cohorts (gnomAD); In silico analysis indicates that this missense variant does not alter protein structure/function; Has not been previously published as pathogenic or benign to our knowledge

Labcorp Genetics (formerly Invitae), Labcorp
Classification: Uncertain significance for Christianson syndrome. Last evaluated: 2022-03-19. Review status: criteria provided, single submitter. Criteria: Invitae Variant Classification Sherloc (09022015). Collection method: clinical testing. Allele origin: germline.
Comment: In summary, the available evidence is currently insufficient to determine the role of this variant in disease. Therefore, it has been classified as a Variant of Uncertain Significance. Algorithms developed to predict the effect of missense changes on protein structure and function are either unavailable or do not agree on the potential impact of this missense change (SIFT: "Deleterious"; PolyPhen-2: "Benign"; Align-GVGD: "Class C0"). ClinVar contains an entry for this variant (Variation ID: 945766). This variant has not been reported in the literature in individuals affected with SLC9A6-related conditions. This variant is not present in population databases (gnomAD no frequency). This sequence change replaces proline, which is neutral and non-polar, with serine, which is neutral and polar, at codon 656 of the SLC9A6 protein (p.Pro656Ser).

NM_001379110.1(SLC9A6):c.1996C>T (p.Pro666Ser)

Gene: SLC9A6 (solute carrier family 9 member A6; plus strand). Cytogenetic location: Xq26.3.
Variant type: single nucleotide variant.
Coding change: c.1996C>T on transcript NM_001379110.1 (MANE Select); coding-DNA position 1996, C replaced by T.
Protein change: p.Pro666Ser; replaces proline 666 with serine.
Molecular consequence: missense variant.
Genome position (GRCh38, 1-based): chrX:136,044,680, C>T. VCF-style: chrX-136044680-C-T. GRCh37 (hg19) VCF-style: chrX-135126839-C-T.
Other names: c.2062C>T, p.Pro688Ser (NM_001042537.2); c.1906C>T, p.Pro636Ser (NM_001177651.2); c.1810C>T, p.Pro604Ser (NM_001330652.2); c.1966C>T, p.Pro656Ser (NM_006359.3); short protein forms P636S, P656S, P604S, P688S, P666S.
Identifiers: ClinVar variation 945766 (VCV000945766.11), dbSNP rs2071569462, ClinGen allele CA414757309.
Genomic context (GRCh38, chrX:136,044,680, plus strand): 5'-GGGGACCATGAACTGGTCATTCGAGGAACACGCCTGGTTCTTCCAATGGATGATTCTGAA[C>T]CCCCGCTAAATTTGTTAGATAATACGAGACATGGTCCAGCCTAAGCTTACTAATACTCAC-3'
Protein context (NP_001366039.1, residues 656-676): RLVLPMDDSE[Pro666Ser]PLNLLDNTRH